The following is an entry in ClinVar:

ClinVar aggregate classification (germline): Uncertain significance (1 of 4 stars; one submission).

Allele frequency attached by ClinVar (database versions not stated): gnomAD exomes below 0.00001.
gnomAD v4.1: 1 of 1,614,150 alleles (0.000062%); highest among the groups gnomAD compares: Non-Finnish European, 0.000085%; no homozygotes.

Submission:

Labcorp Genetics (formerly Invitae), Labcorp
Classification: Uncertain significance. Last evaluated: 2021-03-12. Review status: criteria provided, single submitter. Criteria: Invitae Variant Classification Sherloc (09022015). Collection method: clinical testing. Allele origin: germline.
Comment: Advanced modeling of protein sequence and biophysical properties (such as structural, functional, and spatial information, amino acid conservation, physicochemical variation, residue mobility, and thermodynamic stability) performed at Invitae indicates that this missense variant is expected to disrupt MTOR protein function. In summary, the available evidence is currently insufficient to determine the role of this variant in disease. Therefore, it has been classified as a Variant of Uncertain Significance. This variant has not been reported in the literature in individuals with MTOR-related conditions. This variant is not present in population databases (ExAC no frequency). This sequence change replaces alanine with threonine at codon 1990 of the MTOR protein (p.Ala1990Thr). The alanine residue is highly conserved and there is a small physicochemical difference between alanine and threonine.

NM_004958.4(MTOR):c.5968G>A (p.Ala1990Thr)

Gene: MTOR (mechanistic target of rapamycin kinase; minus strand). Cytogenetic location: 1p36.22.
Variant type: single nucleotide variant.
Coding change: c.5968G>A on transcript NM_004958.4 (MANE Select); coding-DNA position 5968, G replaced by A.
Protein change: p.Ala1990Thr; replaces alanine 1990 with threonine.
Molecular consequence: missense variant.
Genome position (GRCh38, 1-based): chr1:11,128,069, C>T on the plus strand (G>A on the coding strand, the complement: MTOR is on the minus strand). VCF-style: chr1-11128069-C-T. GRCh37 (hg19) VCF-style: chr1-11188126-C-T.
Other names: c.5968G>A, p.Ala1990Thr (NM_001386500.1); c.4720G>A, p.Ala1574Thr (NM_001386501.1); short protein forms A1574T, A1990T.
Identifiers: ClinVar variation 1346569 (VCV001346569.8), dbSNP rs2100413655, ClinGen allele CA338394558.